The following is an entry in ClinVar:

NM_152594.3(SPRED1):c.583-7A>G

Gene: SPRED1 (sprouty related EVH1 domain containing 1; plus strand). Cytogenetic location: 15q14.
Variant type: single nucleotide variant.
Coding change: c.583-7A>G on transcript NM_152594.3 (MANE Select); 7 bases into the intron before coding-DNA position 583, A replaced by G.
Molecular consequence: intron variant.
Genome position (GRCh38, 1-based): chr15:38,349,415, A>G. VCF-style: chr15-38349415-A-G. GRCh37 (hg19) VCF-style: chr15-38641616-A-G.
Identifiers: ClinVar variation 47969 (VCV000047969.37), dbSNP rs115970207, ClinGen allele CA142280.

ClinVar aggregate classification (germline): Benign/Likely benign. Review status: criteria provided, multiple submitters, no conflicts (2 of 4 stars). 11 submissions from 11 submitters: Benign (7); Likely benign (1). 3 of the submissions do not count toward it. Last evaluated 2026-02-03.

Conditions:
SPRED1-related disorder. Also called: SPRED1-related condition.
Noonan syndrome and Noonan-related syndrome. Identifiers: Orphanet 98733, MedGen C5681679, MONDO:0020297.
Legius syndrome. Identifiers: Orphanet 137605, MedGen C1969623, MONDO:0012669, OMIM 611431. Disease mechanism: loss of function.

Allele frequency attached by ClinVar (database versions not stated): gnomAD exomes 0.00061 and 0.00166; ExAC 0.00211; gnomAD 0.00607 and 0.00630; TOPMed 0.00689; ESP Exome Variant Server 0.00785; 1000 Genomes Project 0.01058; 1000 Genomes Project 30x 0.01249.
gnomAD v4.1: 1,840 of 1,601,084 alleles (0.11%); highest among the groups gnomAD compares: African/African-American, 2%; 13 homozygotes.

Submissions (11):

Labcorp Genetics (formerly Invitae), Labcorp
Classification: Benign for Legius syndrome. Last evaluated: 2026-02-03. Review status: criteria provided, single submitter. Criteria: Invitae Variant Classification Sherloc (09022015). Collection method: clinical testing. Allele origin: germline.

ARUP Laboratories, Molecular Genetics and Genomics, ARUP Laboratories
Classification: Benign for Legius syndrome. Last evaluated: 2024-05-05. Review status: criteria provided, single submitter. Criteria: ARUP Molecular Germline Variant Investigation Process 2024. Collection method: clinical testing. Allele origin: germline.

KCCC/NGS Laboratory, Kuwait Cancer Control Center
Classification: Benign for Legius syndrome. Last evaluated: 2023-07-07. Review status: criteria provided, single submitter. Criteria: ACMG Guidelines, 2015. Collection method: clinical testing. Allele origin: germline. Affected: yes.

Genome Diagnostics Laboratory, The Hospital for Sick Children
Classification: Likely benign for Noonan syndrome and Noonan-related syndrome. Last evaluated: 2019-02-01. Review status: criteria provided, single submitter. Criteria: ACMG Guidelines, 2015. Collection method: clinical testing. Allele origin: germline.

Illumina Laboratory Services, Illumina
Classification: Benign for Legius syndrome. Last evaluated: 2018-01-13. Review status: criteria provided, single submitter. Criteria: ICSL Variant Classification Criteria 13 December 2019. Collection method: clinical testing. Allele origin: germline.
Comment: This variant was observed in the ICSL laboratory as part of a predisposition screen in an ostensibly healthy population. It had not been previously curated by ICSL or reported in the Human Gene Mutation Database (HGMD: prior to June 1st, 2018), and was therefore a candidate for classification through an automated scoring system. Utilizing variant allele frequency, disease prevalence and penetrance estimates, and inheritance mode, an automated score was calculated to assess if this variant is too frequent to cause the disease. Based on the score and internal cut-off values, a variant classified as benign is not then subjected to further curation. The score for this variant resulted in a classification of benign for this disease.

Women's Health and Genetics/Laboratory Corporation of America, LabCorp
Classification: Benign. Last evaluated: 2017-04-17. Review status: criteria provided, single submitter. Criteria: LabCorp Variant Classification Summary - May 2015. Collection method: clinical testing. Allele origin: germline.
Comment: Variant summary: The SPRED1 c.583-7A>G variant involves the alteration of a non-conserved intronic nucleotide. 5/5 splice prediction tools predict no significant impact on normal splicing. This variant was found in 248/117724 control chromosomes (including 4 homozygotes) from ExAC, predominantly observed in the African subpopulation at a frequency of 0.022615 (229/10126). This frequency is about 9046 times the estimated maximal expected allele frequency of a pathogenic SPRED1 variant (0.0000025), therefore this is likely a benign polymorphism found primarily in the populations of African origin. In addition, multiple clinical diagnostic laboratories/reputable databases have classified this variant as benign/likely benign. Taken together, this variant is classified as Benign.

GeneDx
Classification: Benign. Last evaluated: 2017-02-02. Review status: criteria provided, single submitter. Criteria: GeneDx Variant Classification (06012015). Collection method: clinical testing. Allele origin: germline. Affected: yes.
Comment: This variant is considered likely benign or benign based on one or more of the following criteria: it is a conservative change, it occurs at a poorly conserved position in the protein, it is predicted to be benign by multiple in silico algorithms, and/or has population frequency not consistent with disease.

Laboratory for Molecular Medicine, Mass General Brigham Personalized Medicine
Classification: Benign. Last evaluated: 2012-03-19. Review status: criteria provided, single submitter. Criteria: LMM Criteria. Collection method: clinical testing. Allele origin: germline. Observed: 5 variant alleles.
Comment: c.583-7A>G in Intron 05 of SPRED1: This variant is not expected to have clinical significance because it has been identified in 2.4% (88/3738) of African Americ an chromosomes from a broad population by the NHLBI Exome Sequencing Project (dbSNP rs115970207).

PreventionGenetics, part of Exact Sciences
Classification: Benign for SPRED1-related condition. Last evaluated: 2019-05-29. Review status: no assertion criteria provided. Collection method: clinical testing. Allele origin: germline. Not counted in ClinVar's aggregate classification.
Comment: This variant is classified as benign based on ACMG/AMP sequence variant interpretation guidelines (Richards et al. 2015 PMID: 25741868, with internal and published modifications).

Clinical Genetics DNA and cytogenetics Diagnostics Lab, Erasmus MC, Erasmus Medical Center
Classification: Benign. Review status: no assertion criteria provided. Collection method: clinical testing. Allele origin: germline. Affected: yes. Study: VKGL Data-share Consensus. Not counted in ClinVar's aggregate classification.

Joint Genome Diagnostic Labs from Nijmegen and Maastricht, Radboudumc and MUMC+
Classification: Benign. Review status: no assertion criteria provided. Collection method: clinical testing. Allele origin: germline. Affected: yes. Study: VKGL Data-share Consensus. Not counted in ClinVar's aggregate classification.